The following is an entry in ClinVar:

ClinVar aggregate classification (germline): Uncertain significance. Review status: criteria provided, multiple submitters, no conflicts (2 of 4 stars). 2 submissions from 2 submitters: Uncertain significance (2). Last evaluated 2025-03-22.

Conditions:
Fanconi anemia (FA). Also called: Fanconi's anemia. Identifiers: Orphanet 84, MedGen C0015625, MeSH D005199, MONDO:0019391.
Inborn genetic diseases. Identifiers: MedGen C0950123, MeSH D030342.

Submissions (2):

Ambry Genetics
Classification: Uncertain significance for Inborn genetic diseases. Last evaluated: 2025-03-22. Review status: criteria provided, single submitter. Criteria: Ambry Variant Classification Scheme 2023. Collection method: clinical testing. Allele origin: germline.
Comment: The p.L1321S variant (also known as c.3962T>C), located in coding exon 14 of the FANCM gene, results from a T to C substitution at nucleotide position 3962. The leucine at codon 1321 is replaced by serine, an amino acid with dissimilar properties. This amino acid position is conserved. In addition, this alteration is predicted to be tolerated by in silico analysis. Based on the available evidence, the clinical significance of this variant remains unclear.

Labcorp Genetics (formerly Invitae), Labcorp
Classification: Uncertain significance for Fanconi anemia. Last evaluated: 2022-06-10. Review status: criteria provided, single submitter. Criteria: Invitae Variant Classification Sherloc (09022015). Collection method: clinical testing. Allele origin: germline.
Comment: In summary, the available evidence is currently insufficient to determine the role of this variant in disease. Therefore, it has been classified as a Variant of Uncertain Significance. Algorithms developed to predict the effect of missense changes on protein structure and function (SIFT, PolyPhen-2, Align-GVGD) all suggest that this variant is likely to be tolerated. This variant has not been reported in the literature in individuals affected with FANCM-related conditions. This variant is not present in population databases (gnomAD no frequency). This sequence change replaces leucine, which is neutral and non-polar, with serine, which is neutral and polar, at codon 1321 of the FANCM protein (p.Leu1321Ser).

NM_020937.4(FANCM):c.3962T>C (p.Leu1321Ser)

Gene: FANCM (FA complementation group M; plus strand). Cytogenetic location: 14q21.2.
Variant type: single nucleotide variant.
Coding change: c.3962T>C on transcript NM_020937.4 (MANE Select); coding-DNA position 3962, T replaced by C.
Protein change: p.Leu1321Ser; replaces leucine 1321 with serine.
Molecular consequence: missense variant.
Genome position (GRCh38, 1-based): chr14:45,176,716, T>C. VCF-style: chr14-45176716-T-C. GRCh37 (hg19) VCF-style: chr14-45645919-T-C.
Other names: c.3884T>C, p.Leu1295Ser (NM_001308133.2); short protein forms L1295S, L1321S.
Identifiers: ClinVar variation 2201775 (VCV002201775.5), dbSNP rs2503196001, ClinGen allele CA389603749.